The following is an entry in ClinVar:

ClinVar aggregate classification (germline): Uncertain significance. Review status: criteria provided, multiple submitters, no conflicts (2 of 4 stars). 2 submissions from 2 submitters: Uncertain significance (2). Last evaluated 2025-11-08.

Conditions:
Autosomal dominant polycystic kidney disease. Identifiers: Orphanet 730, MedGen C0085413, MONDO:0004691.

Allele frequency attached by ClinVar (database versions not stated): gnomAD 0.00001; ExAC 0.00003; TOPMed 0.00004; gnomAD exomes 0.00005.
gnomAD v4.1: 77 of 1,613,970 alleles (0.0048%); highest among the groups gnomAD compares: South Asian, 0.0088%; no homozygotes.

Submissions (2):

Labcorp Genetics (formerly Invitae), Labcorp
Classification: Uncertain significance for Autosomal dominant polycystic kidney disease. Last evaluated: 2025-11-08. Review status: criteria provided, single submitter. Criteria: Invitae Variant Classification Sherloc (09022015). Collection method: clinical testing. Allele origin: germline.
Comment: This sequence change replaces arginine, which is basic and polar, with tryptophan, which is neutral and slightly polar, at codon 907 of the PKD2 protein (p.Arg907Trp). This variant is present in population databases (no rsID available, gnomAD 0.005%). This variant has not been reported in the literature in individuals affected with PKD2-related conditions. ClinVar contains an entry for this variant (Variation ID: 2194961). Invitae Evidence Modeling of protein sequence and biophysical properties (such as structural, functional, and spatial information, amino acid conservation, physicochemical variation, residue mobility, and thermodynamic stability) indicates that this missense variant is not expected to disrupt PKD2 protein function with a negative predictive value of 80%. In summary, the available evidence is currently insufficient to determine the role of this variant in disease. Therefore, it has been classified as a Variant of Uncertain Significance.

GeneDx
Classification: Uncertain significance. Last evaluated: 2023-05-03. Review status: criteria provided, single submitter. Criteria: GeneDx Variant Classification Process June 2021. Collection method: clinical testing. Allele origin: germline. Affected: yes.
Comment: In silico analysis supports that this missense variant has a deleterious effect on protein structure/function; Has not been previously published as pathogenic or benign to our knowledge

NM_000297.4(PKD2):c.2719C>T (p.Arg907Trp)

Gene: PKD2 (polycystin 2, transient receptor potential cation channel; plus strand). Cytogenetic location: 4q22.1.
Variant type: single nucleotide variant.
Coding change: c.2719C>T on transcript NM_000297.4 (MANE Select); coding-DNA position 2719, C replaced by T.
Protein change: p.Arg907Trp; replaces arginine 907 with tryptophan.
Molecular consequence: missense variant. On other transcripts: non-coding transcript variant (1).
Genome position (GRCh38, 1-based): chr4:88,075,506, C>T. VCF-style: chr4-88075506-C-T. GRCh37 (hg19) VCF-style: chr4-88996658-C-T.
Other names: c.2719C>T (NM_000297.3); short protein forms R907W.
Identifiers: ClinVar variation 2194961 (VCV002194961.5), dbSNP rs993897345, ClinGen allele CA3004343.